The following is an entry in ClinVar:

NM_000135.4(FANCA):c.3962G>C (p.Arg1321Pro)

Genes: FANCA (FA complementation group A; minus strand), ZNF276 (zinc finger protein 276; plus strand). Cytogenetic location: 16q24.3.
Variant type: single nucleotide variant.
Coding change: c.3962G>C on transcript NM_000135.4 (MANE Select); coding-DNA position 3962, G replaced by C.
Protein change: p.Arg1321Pro; replaces arginine 1321 with proline.
Molecular consequence: missense variant. On other transcripts: 3 prime UTR variant (2), non-coding transcript variant (4).
Genome position (GRCh38, 1-based): chr16:89,739,526, C>G on the plus strand (G>C on the coding strand, the complement: FANCA is on the minus strand). VCF-style: chr16-89739526-C-G. GRCh37 (hg19) VCF-style: chr16-89805934-C-G.
Other names: c.3962G>C, p.Arg1321Pro (NM_001286167.3); c.*1280C>G (NM_001113525.2, NM_152287.4); short protein forms R1321P.
Identifiers: ClinVar variation 998617 (VCV000998617.12), dbSNP rs374649848, ClinGen allele CA397484830.
Genomic context (GRCh38, chr16:89,739,526, plus strand): 5'-GGGTGGAGGTACCTGTAAAAAGCGAAAGGCAGCAGCCTGGTGTGCTGATCCGGGGCCACA[C>G]GGAGGAGGAGCCGCCCCAGCCTGAGGTCTGCAACACCAAGAAGTGGCTCAGGCAACTCTG-3'
Protein context (NP_000126.2, residues 1311-1331): SDLRLGRLLL[Arg1321Pro]VAPDQHTRLL

ClinVar aggregate classification (germline): Uncertain significance. Review status: criteria provided, multiple submitters, no conflicts (2 of 4 stars). 3 submissions from 3 submitters: Uncertain significance (2). 1 of the submissions does not count toward it. Last evaluated 2025-09-01.

Conditions:
Inborn genetic diseases. Identifiers: MedGen C0950123, MeSH D030342.
Fanconi anemia (FA). Also called: Fanconi's anemia. Identifiers: Orphanet 84, MedGen C0015625, MeSH D005199, MONDO:0019391.

Allele frequency attached by ClinVar (database versions not stated): TOPMed 0.00001.
gnomAD v4.1: 4 of 1,551,320 alleles (0.00026%); highest among the groups gnomAD compares: South Asian, 0.0036%; no homozygotes.

Submissions (3):

Labcorp Genetics (formerly Invitae), Labcorp
Classification: Uncertain significance for Fanconi anemia. Last evaluated: 2025-09-01. Review status: criteria provided, single submitter. Criteria: Invitae Variant Classification Sherloc (09022015). Collection method: clinical testing. Allele origin: germline.
Comment: This sequence change replaces arginine, which is basic and polar, with proline, which is neutral and non-polar, at codon 1321 of the FANCA protein (p.Arg1321Pro). This variant is present in population databases (no rsID available, gnomAD 0.004%). This variant has not been reported in the literature in individuals affected with FANCA-related conditions. ClinVar contains an entry for this variant (Variation ID: 998617). Invitae Evidence Modeling of protein sequence and biophysical properties (such as structural, functional, and spatial information, amino acid conservation, physicochemical variation, residue mobility, and thermodynamic stability) indicates that this missense variant is not expected to disrupt FANCA protein function with a negative predictive value of 95%. In summary, the available evidence is currently insufficient to determine the role of this variant in disease. Therefore, it has been classified as a Variant of Uncertain Significance.

Ambry Genetics
Classification: Uncertain significance for Inborn genetic diseases. Last evaluated: 2025-01-05. Review status: criteria provided, single submitter. Criteria: Ambry Variant Classification Scheme 2023. Collection method: clinical testing. Allele origin: germline.
Comment: The p.R1321P variant (also known as c.3962G>C), located in coding exon 40 of the FANCA gene, results from a G to C substitution at nucleotide position 3962. The arginine at codon 1321 is replaced by proline, an amino acid with dissimilar properties. This amino acid position is conserved. In addition, the in silico prediction for this alteration is inconclusive. Based on the available evidence, the clinical significance of this variant remains unclear.

Natera, Inc.
Classification: Uncertain significance for Fanconi anemia. Last evaluated: 2020-07-21. Review status: no assertion criteria provided. Collection method: clinical testing. Allele origin: germline. Not counted in ClinVar's aggregate classification.